The following is an entry in ClinVar:

NM_014915.3(ANKRD26):c.2657A>C (p.Gln886Pro)

Gene: ANKRD26 (ankyrin repeat domain 26; minus strand). Cytogenetic location: 10p12.1.
Variant type: single nucleotide variant.
Coding change: c.2657A>C on transcript NM_014915.3 (MANE Select); coding-DNA position 2657, A replaced by C.
Protein change: p.Gln886Pro; replaces glutamine 886 with proline.
Molecular consequence: missense variant.
Genome position (GRCh38, 1-based): chr10:27,037,226, T>G on the plus strand (A>C on the coding strand, the complement: ANKRD26 is on the minus strand). VCF-style: chr10-27037226-T-G. GRCh37 (hg19) VCF-style: chr10-27326155-T-G.
Other names: c.2654A>C, p.Gln885Pro (NM_001256053.2); short protein forms Q885P, Q886P.
Identifiers: ClinVar variation 4826409 (VCV004826409.1).

ClinVar aggregate classification (germline): Uncertain significance (1 of 4 stars; one submission).

Conditions:
Inborn genetic diseases. Identifiers: MedGen C0950123, MeSH D030342.

Submission:

Ambry Genetics
Classification: Uncertain significance for Inborn genetic diseases. Last evaluated: 2026-02-28. Review status: criteria provided, single submitter. Criteria: Ambry Variant Classification Scheme 2023. Collection method: clinical testing. Allele origin: germline.
Comment: The p.Q886P variant (also known as c.2657A>C), located in coding exon 23 of the ANKRD26 gene, results from an A to C substitution at nucleotide position 2657. The glutamine at codon 886 is replaced by proline, an amino acid with similar properties. This amino acid position is conserved. In addition, this alteration is predicted to be tolerated by in silico analysis. Based on the available evidence, the clinical significance of this variant remains unclear.